The following is an entry in ClinVar:

ClinVar aggregate classification (germline): Uncertain significance (1 of 4 stars; one submission).

Conditions:
GLUT1 deficiency syndrome 1, autosomal recessive. Identifiers: MedGen C3149117.

Submission:

Labcorp Genetics (formerly Invitae), Labcorp
Classification: Uncertain significance for GLUT1 deficiency syndrome 1, autosomal recessive. Last evaluated: 2023-07-06. Review status: criteria provided, single submitter. Criteria: Invitae Variant Classification Sherloc (09022015). Collection method: clinical testing. Allele origin: germline.
Comment: This sequence change replaces valine, which is neutral and non-polar, with alanine, which is neutral and non-polar, at codon 87 of the SLC2A1 protein (p.Val87Ala). This variant is not present in population databases (gnomAD no frequency). This variant has not been reported in the literature in individuals affected with SLC2A1-related conditions. Advanced modeling of protein sequence and biophysical properties (such as structural, functional, and spatial information, amino acid conservation, physicochemical variation, residue mobility, and thermodynamic stability) performed at Invitae indicates that this missense variant is not expected to disrupt SLC2A1 protein function. In summary, the available evidence is currently insufficient to determine the role of this variant in disease. Therefore, it has been classified as a Variant of Uncertain Significance.

NM_006516.4(SLC2A1):c.260T>C (p.Val87Ala)

Gene: SLC2A1 (solute carrier family 2 member 1; minus strand). Cytogenetic location: 1p34.2.
Variant type: single nucleotide variant.
Coding change: c.260T>C on transcript NM_006516.4 (MANE Select); coding-DNA position 260, T replaced by C.
Protein change: p.Val87Ala; replaces valine 87 with alanine.
Molecular consequence: missense variant.
Genome position (GRCh38, 1-based): chr1:42,931,061, A>G on the plus strand (T>C on the coding strand, the complement: SLC2A1 is on the minus strand). VCF-style: chr1-42931061-A-G. GRCh37 (hg19) VCF-style: chr1-43396732-A-G.
Other names: short protein forms V87A.
Identifiers: ClinVar variation 2736116 (VCV002736116.3), dbSNP rs2524998986, ClinGen allele CA339961609.
Genomic context (GRCh38, chr1:42,931,061, plus strand): 5'-GGGCATGGGCCCTCCAAGGGCAGTGCCAGGACCTCTCCTACTTACCGGCCAAAGCGGTTA[A>G]CGAAAAGGCCCACAGAGAAGGAGCCAATCATGCCCCCAACAGAAAAGATGGCCACTGAGA-3'
Protein context (NP_006507.2, residues 77-97): MIGSFSVGLF[Val87Ala]NRFGRRNSML